The following is an entry in ClinVar:

NM_000492.4(CFTR):c.2812G>A (p.Val938Met)

Gene: CFTR (CF transmembrane conductance regulator; plus strand). Cytogenetic location: 7q31.2.
Variant type: single nucleotide variant.
Coding change: c.2812G>A on transcript NM_000492.4 (MANE Select); coding-DNA position 2812, G replaced by A.
Protein change: p.Val938Met; replaces valine 938 with methionine.
Molecular consequence: missense variant.
Genome position (GRCh38, 1-based): chr7:117,603,686, G>A. VCF-style: chr7-117603686-G-A. GRCh37 (hg19) VCF-style: chr7-117243740-G-A.
Other names: short protein forms V938M.
Identifiers: ClinVar variation 3629956 (VCV003629956.1).

ClinVar aggregate classification (germline): Uncertain significance (1 of 4 stars; one submission).

gnomAD v4.1: 2 of 1,613,936 alleles (0.00012%); highest among the groups gnomAD compares: East Asian, 0.0022%; no homozygotes.

Submission:

Women's Health and Genetics/Laboratory Corporation of America, LabCorp
Classification: Uncertain significance. Last evaluated: 2024-11-20. Review status: criteria provided, single submitter. Criteria: LabCorp Variant Classification Summary - May 2015. Collection method: clinical testing. Allele origin: germline.
Comment: Variant summary: CFTR c.2812G>A (p.Val938Met) results in a conservative amino acid change in the encoded protein sequence. Four of five in-silico tools predict a damaging effect of the variant on protein function. The variant allele was found at a frequency of 4e-06 in 251402 control chromosomes (gnomAD). c.2812G>A has been reported in the literature in individuals affected with Congenital Bilateral Absence Of The Vas Deferens. These data do not allow any conclusion about variant significance. A different variant affecting the same codon has been classified as pathogenic by our lab (c.2813T>G, p.Val938Gly), supporting the critical relevance of codon 938 to CFTR protein function. To our knowledge, no experimental evidence demonstrating an impact on protein function has been reported. The following publication has been ascertained in the context of this evaluation (PMID: 36437957). No submitters have cited clinical-significance assessments for this variant to ClinVar. Based on the evidence outlined above, the variant was classified as VUS-possibly pathogenic.

Literature cited by the submitters: PubMed 36437957.